The following is an entry in ClinVar:

NM_006059.4(LAMC3):c.3805G>A (p.Gly1269Ser)

Gene: LAMC3 (laminin subunit gamma 3; plus strand). Cytogenetic location: 9q34.12.
Variant type: single nucleotide variant.
Coding change: c.3805G>A on transcript NM_006059.4 (MANE Select); coding-DNA position 3805, G replaced by A.
Protein change: p.Gly1269Ser; replaces glycine 1269 with serine.
Molecular consequence: missense variant.
Genome position (GRCh38, 1-based): chr9:131,079,176, G>A. VCF-style: chr9-131079176-G-A. GRCh37 (hg19) VCF-style: chr9-133954563-G-A.
Other names: short protein forms G1269S.
Identifiers: ClinVar variation 376810 (VCV000376810.10), dbSNP rs201011683, ClinGen allele CA5287959.
Genomic context (GRCh38, chr9:131,079,176, plus strand): 5'-CAGGCCCTGCCTGAGCGCATTGTCTCCCTGCAGCCTCAGAAGTCCCGGGCTGAAGACCTG[G>A]GCCTGAAGGCGAAGGCCCTGGAGAAGACAGTTGCATCATGGCAGCACATGGCCACTGAGG-3'
Protein context (NP_006050.3, residues 1259-1279): LPQKSRAEDL[Gly1269Ser]LKAKALEKTV

ClinVar aggregate classification (germline): Conflicting classifications of pathogenicity. Review status: criteria provided, conflicting classifications (1 of 4 stars). 6 submissions from 6 submitters: Uncertain significance (4); Likely benign (1). 1 of the submissions does not count toward it. Last evaluated 2024-08-12.

Conditions:
Inborn genetic diseases. Identifiers: MedGen C0950123, MeSH D030342.
Intellectual disability. Also called: Intellectual developmental disorder; Intellectual functioning disability; intellectual disabilities. Identifiers: MedGen C3714756, MeSH D008607, MONDO:0001071, HP:0001249.

Allele frequency attached by ClinVar (database versions not stated): gnomAD exomes 0.00014; ExAC 0.00011; gnomAD 0.00021 and 0.00019; TOPMed 0.00014.
gnomAD v4.1: 471 of 1,613,712 alleles (0.029%); highest among the groups gnomAD compares: Non-Finnish European, 0.038%; 1 homozygote.

Submissions (6):

Women's Health and Genetics/Laboratory Corporation of America, LabCorp
Classification: Uncertain significance. Last evaluated: 2024-08-12. Review status: criteria provided, single submitter. Criteria: LabCorp Variant Classification Summary - May 2015. Collection method: clinical testing. Allele origin: germline.
Comment: Variant summary: LAMC3 c.3805G>A (p.Gly1269Ser) results in a non-conservative amino acid change in the encoded protein sequence. Four of five in-silico tools predict a benign effect of the variant on protein function. The variant allele was found at a frequency of 0.00029 in 1606716 control chromosomes in the gnomAD database (v4.1 dataset), including 1 homozygote. To our knowledge, no occurrence of c.3805G>A in individuals affected with Occipital Pachygyria And Polymicrogyria and no experimental evidence demonstrating its impact on protein function have been reported. ClinVar contains an entry for this variant (Variation ID: 376810). Based on the evidence outlined above, the variant was classified as uncertain significance.

GeneDx
Classification: Uncertain significance. Last evaluated: 2023-11-06. Review status: criteria provided, single submitter. Criteria: GeneDx Variant Classification Process June 2021. Collection method: clinical testing. Allele origin: germline. Affected: yes.
Comment: In silico analysis supports that this missense variant does not alter protein structure/function; Has not been previously published as pathogenic or benign to our knowledge

Labcorp Genetics (formerly Invitae), Labcorp
Classification: Uncertain significance. Last evaluated: 2022-09-06. Review status: criteria provided, single submitter. Criteria: Invitae Variant Classification Sherloc (09022015). Collection method: clinical testing. Allele origin: germline.
Comment: This sequence change replaces glycine, which is neutral and non-polar, with serine, which is neutral and polar, at codon 1269 of the LAMC3 protein (p.Gly1269Ser). This variant is present in population databases (rs201011683, gnomAD 0.03%). This variant has not been reported in the literature in individuals affected with LAMC3-related conditions. ClinVar contains an entry for this variant (Variation ID: 376810). Algorithms developed to predict the effect of missense changes on protein structure and function output the following: SIFT: "Tolerated"; PolyPhen-2: "Benign"; Align-GVGD: "Class C0". The serine amino acid residue is found in multiple mammalian species, which suggests that this missense change does not adversely affect protein function. In summary, the available evidence is currently insufficient to determine the role of this variant in disease. Therefore, it has been classified as a Variant of Uncertain Significance.

Ambry Genetics
Classification: Likely benign for Inborn genetic diseases. Last evaluated: 2022-06-03. Review status: criteria provided, single submitter. Criteria: Ambry Variant Classification Scheme 2023. Collection method: clinical testing. Allele origin: germline.

Center for Pediatric Genomic Medicine, Children's Mercy Hospital and Clinics
Classification: Uncertain significance. Last evaluated: 2016-10-12. Review status: criteria provided, single submitter. Criteria: ACMG Guidelines, 2015. Collection method: clinical testing. Allele origin: germline.
ClinVar note: Converted during submission from Uncertain Significance to Uncertain significance.

Centre de Biologie Pathologie Génétique, Centre Hospitalier Universitaire de Lille
Classification: Uncertain significance for Intellectual disability. Last evaluated: 2019-01-01. Review status: no assertion criteria provided. Collection method: clinical testing. Allele origin: unknown. Affected: yes. Not counted in ClinVar's aggregate classification.